The following is an entry in ClinVar:

NM_000492.4(CFTR):c.3917C>T (p.Pro1306Leu)

Gene: CFTR (CF transmembrane conductance regulator; plus strand). Cytogenetic location: 7q31.2.
Variant type: single nucleotide variant.
Coding change: c.3917C>T on transcript NM_000492.4 (MANE Select); coding-DNA position 3917, C replaced by T.
Protein change: p.Pro1306Leu; replaces proline 1306 with leucine.
Molecular consequence: missense variant.
Genome position (GRCh38, 1-based): chr7:117,652,885, C>T. VCF-style: chr7-117652885-C-T. GRCh37 (hg19) VCF-style: chr7-117292939-C-T.
Other names: short protein forms P1306L.
Identifiers: ClinVar variation 4651433 (VCV004651433.1).

ClinVar aggregate classification (germline): Uncertain significance (1 of 4 stars; one submission).

Conditions:
Cystic fibrosis (CF). Also called: MUCOVISCIDOSIS. Identifiers: Orphanet 586, MedGen C0010674, MONDO:0009061, OMIM 219700. Disease mechanism: loss of function.

Submission:

Ambry Genetics
Classification: Uncertain significance for Cystic fibrosis. Last evaluated: 2025-12-06. Review status: criteria provided, single submitter. Criteria: Ambry Variant Classification Scheme 2023. Collection method: clinical testing. Allele origin: germline.
Comment: The p.P1306L variant (also known as c.3917C>T), located in coding exon 24 of the CFTR gene, results from a C to T substitution at nucleotide position 3917. The proline at codon 1306 is replaced by leucine, an amino acid with similar properties. This amino acid position is conserved. In addition, this alteration is predicted to be deleterious by in silico analysis. Based on the available evidence, the clinical significance of this variant remains unclear.